The following is an entry in ClinVar:

ClinVar aggregate classification (germline): Uncertain significance (1 of 4 stars; one submission).

Submission:

GeneDx
Classification: Uncertain significance. Last evaluated: 2025-02-12. Review status: criteria provided, single submitter. Criteria: GeneDx Variant Classification Process June 2021. Collection method: clinical testing. Allele origin: germline. Affected: yes.
Comment: Not observed at significant frequency in large population cohorts (gnomAD); In silico analysis supports that this missense variant has a deleterious effect on protein structure/function; Has not been previously published as pathogenic or benign to our knowledge

NM_002430.3(MN1):c.2882A>C (p.Lys961Thr)

Gene: MN1 (MN1 proto-oncogene, transcriptional regulator; minus strand). Cytogenetic location: 22q12.1.
Variant type: single nucleotide variant.
Coding change: c.2882A>C on transcript NM_002430.3 (MANE Select); coding-DNA position 2882, A replaced by C.
Protein change: p.Lys961Thr; replaces lysine 961 with threonine.
Molecular consequence: missense variant.
Genome position (GRCh38, 1-based): chr22:27,797,662, T>G on the plus strand (A>C on the coding strand, the complement: MN1 is on the minus strand). VCF-style: chr22-27797662-T-G. GRCh37 (hg19) VCF-style: chr22-28193650-T-G.
Other names: short protein forms K961T.
Identifiers: ClinVar variation 4075659 (VCV004075659.1).